The following is an entry in ClinVar:

ClinVar aggregate classification (germline): Uncertain significance (1 of 4 stars; one submission).

Submission:

Labcorp Genetics (formerly Invitae), Labcorp
Classification: Uncertain significance. Last evaluated: 2024-06-26. Review status: criteria provided, single submitter. Criteria: Invitae Variant Classification Sherloc (09022015). Collection method: clinical testing. Allele origin: germline.
Comment: This sequence change replaces valine, which is neutral and non-polar, with isoleucine, which is neutral and non-polar, at codon 926 of the KIDINS220 protein (p.Val926Ile). This variant is not present in population databases (gnomAD no frequency). This variant has not been reported in the literature in individuals affected with KIDINS220-related conditions. An algorithm developed to predict the effect of missense changes on protein structure and function (PolyPhen-2) suggests that this variant is likely to be disruptive. In summary, the available evidence is currently insufficient to determine the role of this variant in disease. Therefore, it has been classified as a Variant of Uncertain Significance.

NM_020738.4(KIDINS220):c.2776G>A (p.Val926Ile)

Gene: KIDINS220 (kinase D interacting substrate 220; minus strand). Cytogenetic location: 2p25.1.
Variant type: single nucleotide variant.
Coding change: c.2776G>A on transcript NM_020738.4 (MANE Select); coding-DNA position 2776, G replaced by A.
Protein change: p.Val926Ile; replaces valine 926 with isoleucine.
Molecular consequence: missense variant. On other transcripts: non-coding transcript variant (2).
Genome position (GRCh38, 1-based): chr2:8,776,820, C>T on the plus strand (G>A on the coding strand, the complement: KIDINS220 is on the minus strand). VCF-style: chr2-8776820-C-T. GRCh37 (hg19) VCF-style: chr2-8916950-C-T.
Other names: c.2779G>A, p.Val927Ile (NM_001348729.2, NM_001348731.2, NM_001348734.2 and 3 more transcripts); c.2776G>A, p.Val926Ile (NM_001348732.2, NM_001348735.2, NM_001348738.2 and 3 more transcripts); c.2650G>A, p.Val884Ile (NM_001348736.2); short protein forms V884I, V927I, V926I.
Identifiers: ClinVar variation 3682382 (VCV003682382.2).